The following is an entry in ClinVar:

ClinVar aggregate classification (germline): Uncertain significance (1 of 4 stars; one submission).

Conditions:
Hereditary spastic paraplegia 39 (SPG39). Also called: SPASTIC PARAPLEGIA 39, AUTOSOMAL RECESSIVE; Spastic Paraplegia Type 39 (SPG39). Identifiers: Orphanet 139480, MedGen C2677586, MONDO:0012787, OMIM 612020.

gnomAD v4.1: 10 of 1,610,516 alleles (0.00062%); highest among the groups gnomAD compares: Non-Finnish European, 0.00085%; no homozygotes.

Submission:

Labcorp Genetics (formerly Invitae), Labcorp
Classification: Uncertain significance for Hereditary spastic paraplegia 39. Last evaluated: 2022-08-03. Review status: criteria provided, single submitter. Criteria: Invitae Variant Classification Sherloc (09022015). Collection method: clinical testing. Allele origin: germline.
Comment: In summary, the available evidence is currently insufficient to determine the role of this variant in disease. Therefore, it has been classified as a Variant of Uncertain Significance. Algorithms developed to predict the effect of missense changes on protein structure and function output the following: SIFT: "Tolerated"; PolyPhen-2: "Benign"; Align-GVGD: "Class C0". The glutamic acid amino acid residue is found in multiple mammalian species, which suggests that this missense change does not adversely affect protein function. This variant has not been reported in the literature in individuals affected with PNPLA6-related conditions. This variant is present in population databases (rs369490282, gnomAD 0.0009%). This sequence change replaces aspartic acid, which is acidic and polar, with glutamic acid, which is acidic and polar, at codon 1279 of the PNPLA6 protein (p.Asp1279Glu).

NM_001166114.2(PNPLA6):c.3951C>G (p.Asp1317Glu)

Gene: PNPLA6 (patatin like domain 6, lysophospholipase; plus strand). Cytogenetic location: 19p13.2.
Variant type: single nucleotide variant.
Coding change: c.3951C>G on transcript NM_001166114.2 (MANE Select); coding-DNA position 3951, C replaced by G.
Protein change: p.Asp1317Glu; replaces aspartic acid 1317 with glutamic acid.
Molecular consequence: missense variant.
Genome position (GRCh38, 1-based): chr19:7,561,245, C>G. VCF-style: chr19-7561245-C-G. GRCh37 (hg19) VCF-style: chr19-7626131-C-G.
Other names: c.3981C>G, p.Asp1327Glu (NM_001166111.2); c.3756C>G, p.Asp1252Glu (NM_001166112.2); c.3837C>G, p.Asp1279Glu (NM_001166113.1, NM_006702.5); short protein forms D1279E, D1317E, D1327E, D1252E.
Identifiers: ClinVar variation 1954524 (VCV001954524.3), dbSNP rs369490282, ClinGen allele CA9140649.